The following is an entry in ClinVar:

NM_000187.4(HGD):c.680T>C (p.Phe227Ser)

Gene: HGD (homogentisate 1,2-dioxygenase; minus strand). Cytogenetic location: 3q13.33.
Variant type: single nucleotide variant.
Coding change: c.680T>C on transcript NM_000187.4 (MANE Select); coding-DNA position 680, T replaced by C.
Protein change: p.Phe227Ser; replaces phenylalanine 227 with serine.
Molecular consequence: missense variant.
Genome position (GRCh38, 1-based): chr3:120,644,413, A>G on the plus strand (T>C on the coding strand, the complement: HGD is on the minus strand). VCF-style: chr3-120644413-A-G. GRCh37 (hg19) VCF-style: chr3-120363260-A-G.
Other names: short protein forms F227S.
Identifiers: ClinVar variation 836287 (VCV000836287.13), dbSNP rs1941093400, ClinGen allele CA354075457.

ClinVar aggregate classification (germline): Pathogenic/Likely pathogenic. Review status: criteria provided, multiple submitters, no conflicts (2 of 4 stars). 4 submissions from 4 submitters: Pathogenic (2); Likely pathogenic (1). 1 of the submissions does not count toward it. Last evaluated 2025-10-16.

Conditions:
Alkaptonuria (AKU). Also called: HOMOGENTISIC ACID OXIDASE DEFICIENCY; Alkaptonuric ochronosis; Homogentisic acidura; Alcaptonuria. Identifiers: Orphanet 56, MedGen C0002066, MONDO:0008753, OMIM 203500.

Allele frequency attached by ClinVar (database versions not stated): gnomAD exomes 0.00001.
gnomAD v4.1: 5 of 1,614,158 alleles (0.00031%); highest among the groups gnomAD compares: Non-Finnish European, 0.00034%; no homozygotes.

Submissions (4):

Myriad Genetics, Inc.
Classification: Likely pathogenic for Alkaptonuria. Last evaluated: 2025-10-16. Review status: criteria provided, single submitter. Criteria: Myriad Autosomal Dominant, Autosomal Recessive and X-Linked Classification Criteria (2023). Collection method: clinical testing. Allele origin: unknown.
Comment: NM_000187.3(HGD):c.680T>C(F227S) is a missense variant classified as likely pathogenic in the context of alkaptonuria. F227S has been observed in cases with relevant disease (PMID: 30737480, 25804398, 9529363, 34504318, 21437689). Relevant functional assessments of this variant are available in the literature (PMID: 11001939). F227S has not been observed in referenced population frequency databases. In summary, NM_000187.3(HGD):c.680T>C(F227S) is a missense variant that has been observed more frequently in cases with the relevant disease than in healthy populations. Please note: this variant was assessed in the context of healthy population screening.

Department of Medical Genetics and Pathology, Ardabil University of Medical Sciences
Classification: Pathogenic for Alkaptonuria. Last evaluated: 2025-03-01. Review status: criteria provided, single submitter. Criteria: ACMG Guidelines, 2015. Collection method: research. Allele origin: germline. Affected: yes. Observed: 5 variant alleles.

Labcorp Genetics (formerly Invitae), Labcorp
Classification: Pathogenic for Alkaptonuria. Last evaluated: 2023-11-10. Review status: criteria provided, single submitter. Criteria: Invitae Variant Classification Sherloc (09022015). Collection method: clinical testing. Allele origin: germline.
Comment: This sequence change replaces phenylalanine, which is neutral and non-polar, with serine, which is neutral and polar, at codon 227 of the HGD protein (p.Phe227Ser). This variant is not present in population databases (gnomAD no frequency). This missense change has been observed in individuals with alkaptonuria (PMID: 9529363, 21437689; Invitae). This variant is also known as c.847T>C. ClinVar contains an entry for this variant (Variation ID: 836287). Advanced modeling of protein sequence and biophysical properties (such as structural, functional, and spatial information, amino acid conservation, physicochemical variation, residue mobility, and thermodynamic stability) performed at Invitae indicates that this missense variant is expected to disrupt HGD protein function with a positive predictive value of 80%. For these reasons, this variant has been classified as Pathogenic.

Department Of Human Genetics, Institute Of Clinical And Translational Research, Biomedical Research Center, Slovak Academy Of Sciences
Classification: Pathogenic for Alkaptonuria. Review status: no assertion criteria provided. Collection method: research. Allele origin: germline. Inheritance: Autosomal recessive inheritance. Affected: yes. Observed: 6 variant alleles. Not counted in ClinVar's aggregate classification.
Comment: The variant was originally described in AKU patient in PMID:9529363. It has been submitted to the HGD gene mutation database (DB-ID: AKU_00073).

Literature cited by the submitters: PubMed 11001939 (cited by Myriad Genetics, Inc.); PubMed 21437689 (cited by Myriad Genetics, Inc. and Labcorp Genetics (formerly Invitae), Labcorp); PubMed 25804398 (cited by Myriad Genetics, Inc.); PubMed 30737480 (cited by Myriad Genetics, Inc.); PubMed 34504318 (cited by Myriad Genetics, Inc.); PubMed 9529363 (cited by 3 submitters).